The following is an entry in ClinVar:

NM_080680.3(COL11A2):c.1720-4G>T

Gene: COL11A2 (collagen type XI alpha 2 chain; minus strand). Cytogenetic location: 6p21.32.
Variant type: single nucleotide variant.
Coding change: c.1720-4G>T on transcript NM_080680.3 (MANE Select); 4 bases into the intron before coding-DNA position 1720, G replaced by T.
Molecular consequence: intron variant.
Genome position (GRCh38, 1-based): chr6:33,178,492, C>A on the plus strand (G>T on the coding strand, the complement: COL11A2 is on the minus strand). VCF-style: chr6-33178492-C-A. GRCh37 (hg19) VCF-style: chr6-33146269-C-A.
Other names: c.1399-4G>T (NM_080679.3); c.1462-4G>T (NM_080681.3).
Identifiers: ClinVar variation 512790 (VCV000512790.16), dbSNP rs369678506, ClinGen allele CA3751227.

ClinVar aggregate classification (germline): Conflicting classifications of pathogenicity. Review status: criteria provided, conflicting classifications (1 of 4 stars). 5 submissions from 5 submitters: Uncertain significance (1); Likely benign (3). 1 of the submissions does not count toward it. Last evaluated 2025-12-24.

Conditions:
COL11A2-related disorder. Also called: COL11A2-related condition; COL11A2-related disorders.

Allele frequency attached by ClinVar (database versions not stated): gnomAD exomes 0.00002 and 0.00006; ExAC 0.00010; gnomAD 0.00035 and 0.00041; TOPMed 0.00036; ESP Exome Variant Server 0.00047.
gnomAD v4.1: 93 of 1,612,930 alleles (0.0058%); highest among the groups gnomAD compares: African/African-American, 0.1%; no homozygotes.

Submissions (5):

Labcorp Genetics (formerly Invitae), Labcorp
Classification: Likely benign. Last evaluated: 2025-12-24. Review status: criteria provided, single submitter. Criteria: Invitae Variant Classification Sherloc (09022015). Collection method: clinical testing. Allele origin: germline.

Blueprint Genetics
Classification: Likely benign. Last evaluated: 2024-06-05. Review status: criteria provided, single submitter. Criteria: ACMG Guidelines, 2015. Collection method: clinical testing. Allele origin: germline.

GeneDx
Classification: Likely benign. Last evaluated: 2017-10-23. Review status: criteria provided, single submitter. Criteria: GeneDx Variant Classification (06012015). Collection method: clinical testing. Allele origin: germline. Affected: yes.
Comment: This variant is considered likely benign or benign based on one or more of the following criteria: it is a conservative change, it occurs at a poorly conserved position in the protein, it is predicted to be benign by multiple in silico algorithms, and/or has population frequency not consistent with disease.

Eurofins Ntd Llc (ga)
Classification: Uncertain significance. Last evaluated: 2017-07-26. Review status: criteria provided, single submitter. Criteria: EGL Classification Definitions 2015. Collection method: clinical testing. Allele origin: germline. Observed: 1 variant allele, 1 heterozygote.

PreventionGenetics, part of Exact Sciences
Classification: Likely benign for COL11A2-related condition. Last evaluated: 2023-06-05. Review status: no assertion criteria provided. Collection method: clinical testing. Allele origin: germline. Not counted in ClinVar's aggregate classification.
Comment: This variant is classified as likely benign based on ACMG/AMP sequence variant interpretation guidelines (Richards et al. 2015 PMID: 25741868, with internal and published modifications).